The following is an entry in ClinVar:

ClinVar aggregate classification (germline): Likely benign (0 of 4 stars; one submission).

Conditions:
TAF15-related disorder. Also called: TAF15-related condition.

Allele frequency attached by ClinVar (database versions not stated): gnomAD 0.00002.

Submission:

PreventionGenetics, part of Exact Sciences
Classification: Likely benign for TAF15-related condition. Last evaluated: 2023-01-06. Review status: no assertion criteria provided. Collection method: clinical testing. Allele origin: germline.
Comment: This variant is classified as likely benign based on ACMG/AMP sequence variant interpretation guidelines (Richards et al. 2015 PMID: 25741868, with internal and published modifications).

NM_139215.3(TAF15):c.1368T>A (p.Gly456=)

Gene: TAF15 (TATA-box binding protein associated factor 15; plus strand). Cytogenetic location: 17q12.
Variant type: single nucleotide variant.
Coding change: c.1368T>A on transcript NM_139215.3 (MANE Select); coding-DNA position 1368, T replaced by A.
Protein change: p.Gly456=; no amino-acid change (glycine 456 retained).
Molecular consequence: synonymous variant.
Genome position (GRCh38, 1-based): chr17:35,844,667, T>A. VCF-style: chr17-35844667-T-A. GRCh37 (hg19) VCF-style: chr17-34171671-T-A.
Other names: c.1359T>A, p.Gly453= (NM_003487.4).
Identifiers: ClinVar variation 3059779 (VCV003059779.2), dbSNP rs770334688, ClinGen allele CA290041352.